The following is an entry in ClinVar:

ClinVar aggregate classification (germline): Benign/Likely benign. Review status: criteria provided, multiple submitters, no conflicts (2 of 4 stars). 2 submissions from 2 submitters: Benign (1); Likely benign (1). Last evaluated 2025-01-13.

Conditions:
Familial cancer of breast. Also called: BREAST CANCER, FAMILIAL; Hereditary breast cancer; hereditary breast carcinoma. Identifiers: Orphanet 227535, MedGen C0346153, MONDO:0016419, OMIM 114480. Disease mechanism: loss of function.

Submissions (2):

Myriad Genetics, Inc.
Classification: Benign for Familial cancer of breast. Last evaluated: 2025-01-13. Review status: criteria provided, single submitter. Criteria: Myriad Autosomal Dominant, Autosomal Recessive and X-Linked Classification Criteria (2023). Collection method: clinical testing. Allele origin: unknown.
Comment: This variant is considered benign. This variant is a silent/synonymous amino acid change and it is not expected to impact splicing.

Labcorp Genetics (formerly Invitae), Labcorp
Classification: Likely benign for Familial cancer of breast. Last evaluated: 2017-08-16. Review status: criteria provided, single submitter. Criteria: Invitae Variant Classification Sherloc (09022015). Collection method: clinical testing. Allele origin: germline.

NM_024675.4(PALB2):c.1242A>G (p.Arg414=)

Gene: PALB2 (partner and localizer of BRCA2; minus strand). Cytogenetic location: 16p12.2.
Variant type: single nucleotide variant.
Coding change: c.1242A>G on transcript NM_024675.4 (MANE Select); coding-DNA position 1242, A replaced by G.
Protein change: p.Arg414=; no amino-acid change (arginine 414 retained).
Molecular consequence: synonymous variant.
Genome position (GRCh38, 1-based): chr16:23,635,304, T>C on the plus strand (A>G on the coding strand, the complement: PALB2 is on the minus strand). VCF-style: chr16-23635304-T-C. GRCh37 (hg19) VCF-style: chr16-23646625-T-C.
Identifiers: ClinVar variation 530259 (VCV000530259.10), dbSNP rs875989795, ClinGen allele CA494461639.